The following is an entry in ClinVar:

NM_000037.4(ANK1):c.1175del (p.Lys392fs)

Gene: ANK1 (ankyrin 1; minus strand). Cytogenetic location: 8p11.21.
Variant type: Deletion.
Coding change: c.1175del on transcript NM_000037.4 (MANE Select); coding-DNA position 1175, one base deleted (A; older notation c.1175delA).
Protein change: p.Lys392fs; shifts the reading frame from lysine 392.
Molecular consequence: frameshift variant.
Genome position (GRCh38, 1-based): chr8:41,718,137, T deleted on the plus strand (A on the coding strand, the reverse complement: ANK1 is on the minus strand); the first of 2 consecutive T bases (chr8:41,718,137-41,718,138); deleting either gives the same sequence. VCF-style (leftmost placement, unchanged base first): chr8-41718136-CT-C. GRCh37 (hg19) VCF-style: chr8-41575654-CT-C.
Other names: c.1274del, p.Lys425fs (NM_001142446.2); c.1175del, p.Lys392fs (NM_020475.3, NM_020476.3, NM_020477.3); short protein forms K392fs, K425fs.
Identifiers: ClinVar variation 2725402 (VCV002725402.3), dbSNP rs2486933207, ClinGen allele CA2697549888.

ClinVar aggregate classification (germline): Pathogenic (1 of 4 stars; one submission).

Submission:

Labcorp Genetics (formerly Invitae), Labcorp
Classification: Pathogenic. Last evaluated: 2023-07-13. Review status: criteria provided, single submitter. Criteria: Invitae Variant Classification Sherloc (09022015). Collection method: clinical testing. Allele origin: germline.
Comment: This variant is not present in population databases (gnomAD no frequency). This variant has not been reported in the literature in individuals affected with ANK1-related conditions. For these reasons, this variant has been classified as Pathogenic. This sequence change creates a premature translational stop signal (p.Lys392Argfs*14) in the ANK1 gene. It is expected to result in an absent or disrupted protein product. Loss-of-function variants in ANK1 are known to be pathogenic (PMID: 8640229).

Literature cited by the submitters: PubMed 8640229.